The following is an entry in ClinVar:

NM_024592.5(SRD5A3):c.365-6T>C

Gene: SRD5A3 (steroid 5 alpha-reductase 3; plus strand). Cytogenetic location: 4q12.
Variant type: single nucleotide variant.
Coding change: c.365-6T>C on transcript NM_024592.5 (MANE Select); 6 bases into the intron before coding-DNA position 365, T replaced by C.
Molecular consequence: intron variant.
Genome position (GRCh38, 1-based): chr4:55,364,068, T>C. VCF-style: chr4-55364068-T-C. GRCh37 (hg19) VCF-style: chr4-56230235-T-C.
Identifiers: ClinVar variation 385636 (VCV000385636.1), dbSNP rs1057522282, ClinGen allele CA16604621.

ClinVar aggregate classification (germline): Likely benign (1 of 4 stars; one submission).

gnomAD v4.1: 1 of 1,614,174 alleles (0.000062%); highest among the groups gnomAD compares: Non-Finnish European, 0.000085%; no homozygotes.

Submission:

GeneDx
Classification: Likely benign. Last evaluated: 2016-05-02. Review status: criteria provided, single submitter. Criteria: GeneDx Variant Classification (06012015). Collection method: clinical testing. Allele origin: germline. Affected: yes.
Comment: This variant is considered likely benign or benign based on one or more of the following criteria: it is a conservative change, it occurs at a poorly conserved position in the protein, it is predicted to be benign by multiple in silico algorithms, and/or has population frequency not consistent with disease.